The following is an entry in ClinVar:

NM_144599.5(NIPA1):c.*4496A>T

Gene: NIPA1 (NIPA magnesium transporter 1; plus strand). Cytogenetic location: 15q11.2.
Variant type: single nucleotide variant.
Coding change: c.*4496A>T on transcript NM_144599.5 (MANE Select); 4496 bases downstream of the stop codon, A replaced by T.
Molecular consequence: 3 prime UTR variant.
Genome position (GRCh38, 1-based): chr15:22,828,735, A>T. VCF-style: chr15-22828735-A-T. GRCh37 (hg19) VCF-style: chr15-23044333-T-A.
Other names: c.*4496A>T (NM_001142275.1).
Identifiers: ClinVar variation 884881 (VCV000884881.4), dbSNP rs186274091, ClinGen allele CA267610923.
Genomic context (GRCh38, chr15:22,828,735, plus strand): 5'-CTATTTCACATGTACCCAAAAGCATTTAAAAAGCAGAATCCAGGGCCCAGAGCATGAGCC[A>T]GGGAGGAGGATGTTTTTCTTCTTTTCTCTATTTTTCCCTAAATTGTGCAAACATAGGTGA-3'

ClinVar aggregate classification (germline): Likely benign (1 of 4 stars; one submission).

Conditions:
Hereditary spastic paraplegia 6 (SPG6). Also called: SPASTIC PARAPLEGIA 6, AUTOSOMAL DOMINANT. Identifiers: Orphanet 100988, MedGen C1838192, MONDO:0010878, OMIM 600363.

Allele frequency attached by ClinVar (database versions not stated): gnomAD 0.00010 and 0.00017; TOPMed 0.00020; 1000 Genomes Project 30x 0.00062; 1000 Genomes Project 0.00080.

Submission:

Illumina Laboratory Services, Illumina
Classification: Likely benign for Hereditary spastic paraplegia 6. Last evaluated: 2018-01-13. Review status: criteria provided, single submitter. Criteria: ICSL Variant Classification Criteria 13 December 2019. Collection method: clinical testing. Allele origin: germline.
Comment: This variant was observed in the ICSL laboratory as part of a predisposition screen in an ostensibly healthy population. It had not been previously curated by ICSL or reported in the Human Gene Mutation Database (HGMD: prior to June 1st, 2018), and was therefore a candidate for classification through an automated scoring system. Utilizing variant allele frequency, disease prevalence and penetrance estimates, and inheritance mode, an automated score was calculated to assess if this variant is too frequent to cause the disease. Based on the score and internal cut-off values, a variant classified as likely benign is not then subjected to further curation. The score for this variant resulted in a classification of likely benign for this disease.